The following is an entry in ClinVar:

NM_177986.5(DSG4):c.1375_1376del (p.Ile459fs)

Genes: DSG1-AS1 (DSG1 antisense RNA 1; minus strand), DSG4 (desmoglein 4; plus strand). Cytogenetic location: 18q12.1.
Variant type: Microsatellite.
Coding change: c.1375_1376del on transcript NM_177986.5 (MANE Select); coding-DNA positions 1375 to 1376, 2 bases deleted (AT; older notation c.1375_1376delAT).
Protein change: p.Ile459fs; shifts the reading frame from isoleucine 459.
Molecular consequence: frameshift variant.
Genome position (GRCh38, 1-based): chr18:31,400,978-31,400,979, AT deleted; deleting any 2 consecutive bases within chr18:31,400,974-31,400,979 gives the same sequence; the c. name uses the placement nearest the transcript's 3' end. VCF-style (leftmost placement, unchanged base first): chr18-31400973-AAT-A. GRCh37 (hg19) VCF-style: chr18-28980936-AAT-A.
Other names: c.1375_1376del, p.Ile459fs (NM_001134453.3); short protein forms I459fs.
Identifiers: ClinVar variation 4850576 (VCV004850576.1).

ClinVar aggregate classification (germline): Likely pathogenic (1 of 4 stars; one submission).

Conditions:
Hypotrichosis 6 (HYPT6). Also called: HYPOTRICHOSIS, LOCALIZED, AUTOSOMAL RECESSIVE 1; MONILETHRIX-LIKE HYPOTRICHOSIS. Identifiers: Orphanet 55654, MedGen C1842839, MONDO:0011932, OMIM 607903.

Submission:

First Genomix Gene Laboratory, Genetic Diagnostics Department
Classification: Likely pathogenic for Hypotrichosis 6. Last evaluated: 2025-07-29. Review status: criteria provided, single submitter. Criteria: ACMG Guidelines, 2015. Collection method: clinical testing. Allele origin: germline. Inheritance: Autosomal recessive inheritance. Affected: no. Observed: 1 variant allele.